The following is an entry in ClinVar:

ClinVar aggregate classification (germline): Uncertain significance. Review status: criteria provided, multiple submitters, no conflicts (2 of 4 stars). 2 submissions from 2 submitters: Uncertain significance (2). Last evaluated 2026-05-14.

Conditions:
Hypertrophic cardiomyopathy. Also called: HYPERTROPHIC MYOCARDIOPATHY. Identifiers: Orphanet 217569, MedGen C0007194, MeSH D002312, MONDO:0005045, HP:0001639.

Allele frequency attached by ClinVar (database versions not stated): TOPMed 0.00005; gnomAD 0.00001; gnomAD exomes 0.00001.
gnomAD v4.1: 4 of 1,613,906 alleles (0.00025%); highest among the groups gnomAD compares: African/African-American, 0.0053%; no homozygotes.

Submissions (2):

Ambry Genetics
Classification: Uncertain significance. Last evaluated: 2026-05-14. Review status: criteria provided, single submitter. Criteria: Ambry Variant Classification Scheme 2023. Collection method: clinical testing. Allele origin: germline.
Comment: The p.T1215A variant (also known as c.3643A>G), located in coding exon 23 of the MYOM1 gene, results from an A to G substitution at nucleotide position 3643. The threonine at codon 1215 is replaced by alanine, an amino acid with similar properties. This amino acid position is conserved. In addition, the in silico prediction for this alteration is inconclusive. Based on the available evidence, the clinical significance of this variant remains unclear.

Labcorp Genetics (formerly Invitae), Labcorp
Classification: Uncertain significance for Hypertrophic cardiomyopathy. Last evaluated: 2023-05-19. Review status: criteria provided, single submitter. Criteria: Invitae Variant Classification Sherloc (09022015). Collection method: clinical testing. Allele origin: germline.
Comment: This sequence change replaces threonine, which is neutral and polar, with alanine, which is neutral and non-polar, at codon 1215 of the MYOM1 protein (p.Thr1215Ala). This variant is present in population databases (no rsID available, gnomAD 0.01%). This variant has not been reported in the literature in individuals affected with MYOM1-related conditions. Advanced modeling of protein sequence and biophysical properties (such as structural, functional, and spatial information, amino acid conservation, physicochemical variation, residue mobility, and thermodynamic stability) has been performed at Invitae for this missense variant, however the output from this modeling did not meet the statistical confidence thresholds required to predict the impact of this variant on MYOM1 protein function. In summary, the available evidence is currently insufficient to determine the role of this variant in disease. Therefore, it has been classified as a Variant of Uncertain Significance.

NM_003803.4(MYOM1):c.3643A>G (p.Thr1215Ala)

Gene: MYOM1 (myomesin 1; minus strand). Cytogenetic location: 18p11.31.
Variant type: single nucleotide variant.
Coding change: c.3643A>G on transcript NM_003803.4 (MANE Select); coding-DNA position 3643, A replaced by G.
Protein change: p.Thr1215Ala; replaces threonine 1215 with alanine.
Molecular consequence: missense variant.
Genome position (GRCh38, 1-based): chr18:3,100,359, T>C on the plus strand (A>G on the coding strand, the complement: MYOM1 is on the minus strand). VCF-style: chr18-3100359-T-C. GRCh37 (hg19) VCF-style: chr18-3100357-T-C.
Other names: c.3355A>G, p.Thr1119Ala (NM_019856.2); short protein forms T1119A, T1215A.
Identifiers: ClinVar variation 2975483 (VCV002975483.4), dbSNP rs1041278875, ClinGen allele CA295497697.